The following is an entry in ClinVar:

ClinVar aggregate classification (germline): Uncertain significance. Review status: criteria provided, multiple submitters, no conflicts (2 of 4 stars). 2 submissions from 2 submitters: Uncertain significance (2). Last evaluated 2024-01-19.

Conditions:
Inborn genetic diseases. Identifiers: MedGen C0950123, MeSH D030342.

Allele frequency attached by ClinVar (database versions not stated): ExAC 0.00001; gnomAD 0.00001; TOPMed 0.00003.
gnomAD v4.1: 40 of 1,613,180 alleles (0.0025%); highest among the groups gnomAD compares: East Asian, 0.0067%; no homozygotes.

Submissions (2):

Ambry Genetics
Classification: Uncertain significance for Inborn genetic diseases. Last evaluated: 2024-01-19. Review status: criteria provided, single submitter. Criteria: Ambry Variant Classification Scheme 2023. Collection method: clinical testing. Allele origin: germline.

Labcorp Genetics (formerly Invitae), Labcorp
Classification: Uncertain significance. Last evaluated: 2022-09-27. Review status: criteria provided, single submitter. Criteria: Invitae Variant Classification Sherloc (09022015). Collection method: clinical testing. Allele origin: germline.
Comment: This variant has not been reported in the literature in individuals affected with CDC45-related conditions. In summary, the available evidence is currently insufficient to determine the role of this variant in disease. Therefore, it has been classified as a Variant of Uncertain Significance. Algorithms developed to predict the effect of missense changes on protein structure and function are either unavailable or do not agree on the potential impact of this missense change (SIFT: "Deleterious"; PolyPhen-2: "Benign"; Align-GVGD: "Class C0"). This variant is present in population databases (rs779593928, gnomAD 0.006%). This sequence change replaces valine, which is neutral and non-polar, with isoleucine, which is neutral and non-polar, at codon 281 of the CDC45 protein (p.Val281Ile).

NM_003504.5(CDC45):c.745G>A (p.Val249Ile)

Gene: CDC45 (cell division cycle 45; plus strand). Cytogenetic location: 22q11.21.
Variant type: single nucleotide variant.
Coding change: c.745G>A on transcript NM_003504.5 (MANE Select); coding-DNA position 745, G replaced by A.
Protein change: p.Val249Ile; replaces valine 249 with isoleucine.
Molecular consequence: missense variant. On other transcripts: non-coding transcript variant (1).
Genome position (GRCh38, 1-based): chr22:19,505,402, G>A. VCF-style: chr22-19505402-G-A. GRCh37 (hg19) VCF-style: chr22-19492925-G-A.
Other names: c.607G>A, p.Val203Ile (NM_001178011.2); c.709G>A, p.Val237Ile (NM_001369291.1); c.841G>A, p.Val281Ile (NM_001178010.2); c.841G>A (NM_001178010.1); short protein forms V249I, V281I, V203I, V237I.
Identifiers: ClinVar variation 1990895 (VCV001990895.4), dbSNP rs779593928, ClinGen allele CA10101220.